The following is an entry in ClinVar:

ClinVar aggregate classification (germline): Uncertain significance (1 of 4 stars; one submission).

Conditions:
Hereditary cancer-predisposing syndrome. Also called: Neoplastic Syndromes, Hereditary; Tumor predisposition; Hereditary neoplastic syndrome; Hereditary Cancer Syndrome. Identifiers: Orphanet 140162, MedGen C0027672, MeSH D009386, MONDO:0015356.

Submission:

Ambry Genetics
Classification: Uncertain significance for Hereditary cancer-predisposing syndrome. Last evaluated: 2025-06-28. Review status: criteria provided, single submitter. Criteria: Ambry Variant Classification Scheme 2023. Collection method: clinical testing. Allele origin: germline.
Comment: The c.3854_3880del27 variant (also known as p.Q1285_Q1293del) is located in coding exon 31 of the POLE gene. This variant results from an in-frame deletion of 27 nucleotides (AGCGCCTCGCCCGCAGGAAGAGGCAGC) at nucleotide positions 3854 to 3880. This results in the in-frame deletion of 9 residues from codon 1285 to 1293. This amino acid region is not well conserved in available vertebrate species. Since supporting evidence is limited at this time, the clinical significance of this alteration remains unclear.

NM_006231.4(POLE):c.3854_3880del (p.Gln1285_Gln1293del)

Gene: POLE (DNA polymerase epsilon, catalytic subunit; minus strand). Cytogenetic location: 12q24.33.
Variant type: Deletion.
Coding change: c.3854_3880del on transcript NM_006231.4 (MANE Select); coding-DNA positions 3854 to 3880, 27 bases deleted (AGCGCCTCGCCCGCAGGAAGAGGCAGC).
Protein change: p.Gln1285_Gln1293del.
Molecular consequence: inframe deletion.
Genome position (GRCh38, 1-based): chr12:132,649,431-132,649,457, GCTGCCTCTTCCTGCGGGCGAGGCGCT deleted on the plus strand (AGCGCCTCGCCCGCAGGAAGAGGCAGC on the coding strand, the reverse complement: POLE is on the minus strand); deleting any 27 consecutive bases within chr12:132,649,431-132,649,459 gives the same sequence; the c. name uses the placement nearest the transcript's 3' end. VCF-style (leftmost placement, unchanged base first): chr12-132649430-CGCTGCCTCTTCCTGCGGGCGAGGCGCT-C. GRCh37 (hg19) VCF-style: chr12-133226016-CGCTGCCTCTTCCTGCGGGCGAGGCGCT-C.
Identifiers: ClinVar variation 824305 (VCV000824305.5), dbSNP rs1593750014, ClinGen allele CA915946828.